The following is an entry in ClinVar:

ClinVar aggregate classification (germline): Uncertain significance (1 of 4 stars; one submission).

Allele frequency attached by ClinVar (database versions not stated): TOPMed below 0.00001.

Submission:

Labcorp Genetics (formerly Invitae), Labcorp
Classification: Uncertain significance. Last evaluated: 2022-07-14. Review status: criteria provided, single submitter. Criteria: Invitae Variant Classification Sherloc (09022015). Collection method: clinical testing. Allele origin: germline.
Comment: This sequence change replaces glycine, which is neutral and non-polar, with valine, which is neutral and non-polar, at codon 109 of the USH1C protein (p.Gly109Val). This variant is present in population databases (no rsID available, gnomAD 0.009%). This variant has not been reported in the literature in individuals affected with USH1C-related conditions. Algorithms developed to predict the effect of missense changes on protein structure and function are either unavailable or do not agree on the potential impact of this missense change (SIFT: "Deleterious"; PolyPhen-2: "Probably Damaging"; Align-GVGD: "Class C0"). In summary, the available evidence is currently insufficient to determine the role of this variant in disease. Therefore, it has been classified as a Variant of Uncertain Significance.

NM_153676.4(USH1C):c.326G>T (p.Gly109Val)

Gene: USH1C (USH1 protein network component harmonin; minus strand). Cytogenetic location: 11p15.1.
Variant type: single nucleotide variant.
Coding change: c.326G>T on transcript NM_153676.4 (MANE Select); coding-DNA position 326, G replaced by T.
Protein change: p.Gly109Val; replaces glycine 109 with valine.
Molecular consequence: missense variant. On other transcripts: non-coding transcript variant (1).
Genome position (GRCh38, 1-based): chr11:17,531,215, C>A on the plus strand (G>T on the coding strand, the complement: USH1C is on the minus strand). VCF-style: chr11-17531215-C-A. GRCh37 (hg19) VCF-style: chr11-17552762-C-A.
Other names: c.326G>T, p.Gly109Val (NM_001297764.2, NM_005709.4); short protein forms G109V.
Identifiers: ClinVar variation 1947306 (VCV001947306.2), dbSNP rs1320230679, ClinGen allele CA379797033.
Genomic context (GRCh38, chr11:17,531,215, plus strand): 5'-TGGAGCCCGACGCTGTCTGCCTGACCGCCTTTGATGAGGTGGGAGATGAAGAGCCCACAG[C>A]CAAACTCCAGGCCACCACGCACACTCAGGCCGAGGCCTTCGGGGTGCAGACGGTCCAGAC-3'
Protein context (NP_710142.1, residues 99-119): GLSVRGGLEF[Gly109Val]CGLFISHLIK